The following is an entry in ClinVar:

NM_003590.5(CUL3):c.66+5_66+10del

Genes: CUL3 (cullin 3; minus strand), LOC129935709 (ATAC-STARR-seq lymphoblastoid silent region 12382; plus strand). Cytogenetic location: 2q36.2.
Variant type: Deletion.
Coding change: c.66+5_66+10del on transcript NM_003590.5 (MANE Select); bases 5 to 10 of the intron after coding-DNA position 66, 6 bases deleted (GTCTCT; older notation c.66+5_66+10delGTCTCT).
Molecular consequence: intron variant.
Genome position (GRCh38, 1-based): chr2:224,584,934-224,584,939, AGAGAC deleted on the plus strand (GTCTCT on the coding strand, the reverse complement: CUL3 is on the minus strand). VCF-style (leftmost placement, unchanged base first): chr2-224584933-GAGAGAC-G. GRCh37 (hg19) VCF-style: chr2-225449650-GAGAGAC-G.
Other names: c.66+5_66+10del (NM_001257197.2).
Identifiers: ClinVar variation 1394993 (VCV001394993.6), dbSNP rs2106331252, ClinGen allele CA2573135420.

ClinVar aggregate classification (germline): Uncertain significance (1 of 4 stars; one submission).

Submission:

Labcorp Genetics (formerly Invitae), Labcorp
Classification: Uncertain significance. Last evaluated: 2022-06-05. Review status: criteria provided, single submitter. Criteria: Invitae Variant Classification Sherloc (09022015). Collection method: clinical testing. Allele origin: germline.
Comment: Variants that disrupt the consensus splice site are a relatively common cause of aberrant splicing (PMID: 17576681, 9536098). Algorithms developed to predict the effect of sequence changes on RNA splicing suggest that this variant may disrupt the consensus splice site. In summary, the available evidence is currently insufficient to determine the role of this variant in disease. Therefore, it has been classified as a Variant of Uncertain Significance. ClinVar contains an entry for this variant (Variation ID: 1394993). This variant has not been reported in the literature in individuals affected with CUL3-related conditions. This variant is not present in population databases (gnomAD no frequency). This sequence change falls in intron 1 of the CUL3 gene. It does not directly change the encoded amino acid sequence of the CUL3 protein. It affects a nucleotide within the consensus splice site.

Literature cited by the submitters: PubMed 17576681; PubMed 9536098.